The following is an entry in ClinVar:

ClinVar aggregate classification (germline): Uncertain significance. Review status: criteria provided, multiple submitters, no conflicts (2 of 4 stars). 2 submissions from 2 submitters: Uncertain significance (2). Last evaluated 2023-01-13.

Conditions:
Myofibrillar myopathy 6. Identifiers: Orphanet 199340, MedGen C2751831, MONDO:0013061, OMIM 612954.
Dilated cardiomyopathy 1HH (CMD1HH). Identifiers: Orphanet 154, MedGen C3151293, MONDO:0013479, OMIM 613881.

Allele frequency attached by ClinVar (database versions not stated): ExAC 0.00001; gnomAD 0.00001; gnomAD exomes 0.00001.

Submissions (2):

Blueprint Genetics
Classification: Uncertain significance. Last evaluated: 2023-01-13. Review status: criteria provided, single submitter. Criteria: ACMG Guidelines, 2015. Collection method: clinical testing. Allele origin: germline.

Labcorp Genetics (formerly Invitae), Labcorp
Classification: Uncertain significance for Dilated cardiomyopathy 1HH; Myofibrillar myopathy 6. Last evaluated: 2019-06-11. Review status: criteria provided, single submitter. Criteria: Invitae Variant Classification Sherloc (09022015). Collection method: clinical testing. Allele origin: germline.
Comment: In summary, the available evidence is currently insufficient to determine the role of this variant in disease. Therefore, it has been classified as a Variant of Uncertain Significance. Algorithms developed to predict the effect of missense changes on protein structure and function do not agree on the potential impact of this missense change (SIFT: "Tolerated"; PolyPhen-2: "Probably Damaging"; Align-GVGD: "Class C0"). This variant has not been reported in the literature in individuals with BAG3-related disease. ClinVar contains an entry for this variant (Variation ID: 222509). This sequence change replaces arginine with cysteine at codon 19 of the BAG3 protein (p.Arg19Cys). The arginine residue is weakly conserved and there is a large physicochemical difference between arginine and cysteine. This variant is present in population databases (rs727502896, ExAC 0.002%).

NM_004281.4(BAG3):c.55C>T (p.Arg19Cys)

Gene: BAG3 (BAG cochaperone 3; plus strand). Cytogenetic location: 10q26.11.
Variant type: single nucleotide variant.
Coding change: c.55C>T on transcript NM_004281.4 (MANE Select); coding-DNA position 55, C replaced by T.
Protein change: p.Arg19Cys; replaces arginine 19 with cysteine.
Molecular consequence: missense variant.
Genome position (GRCh38, 1-based): chr10:119,651,730, C>T. VCF-style: chr10-119651730-C-T. GRCh37 (hg19) VCF-style: chr10-121411242-C-T.
Other names: short protein forms R19C.
Identifiers: ClinVar variation 222509 (VCV000222509.12), dbSNP rs727502896, ClinGen allele CA088635.
Genomic context (GRCh38, chr10:119,651,730, plus strand): 5'-CCCAGCATGAGCGCCGCCACCCACTCGCCCATGATGCAGGTGGCGTCCGGCAACGGTGAC[C>T]GCGACCCTTTGCCCCCCGGATGGGAGATCAAGATCGACCCGCAGACCGGCTGGCCCTTCT-3'
Protein context (NP_004272.2, residues 9-29): MMQVASGNGD[Arg19Cys]DPLPPGWEIK